The following is an entry in ClinVar:

NM_004171.4(SLC1A2):c.1507A>G (p.Thr503Ala)

Gene: SLC1A2 (solute carrier family 1 member 2; minus strand). Cytogenetic location: 11p13.
Variant type: single nucleotide variant.
Coding change: c.1507A>G on transcript NM_004171.4 (MANE Select); coding-DNA position 1507, A replaced by G.
Protein change: p.Thr503Ala; replaces threonine 503 with alanine.
Molecular consequence: missense variant.
Genome position (GRCh38, 1-based): chr11:35,265,673, T>C on the plus strand (A>G on the coding strand, the complement: SLC1A2 is on the minus strand). VCF-style: chr11-35265673-T-C. GRCh37 (hg19) VCF-style: chr11-35287220-T-C.
Other names: c.1480A>G, p.Thr494Ala (NM_001195728.3, NM_001252652.2); short protein forms T503A, T494A.
Identifiers: ClinVar variation 2883074 (VCV002883074.3), dbSNP rs1190502169, ClinGen allele CA380118891.

ClinVar aggregate classification (germline): Uncertain significance (1 of 4 stars; one submission).

Allele frequency attached by ClinVar (database versions not stated): gnomAD exomes below 0.00001; gnomAD 0.00001; TOPMed 0.00002.
gnomAD v4.1: 3 of 1,613,360 alleles (0.00019%); highest among the groups gnomAD compares: Admixed American, 0.005%; no homozygotes.

Submission:

Labcorp Genetics (formerly Invitae), Labcorp
Classification: Uncertain significance. Last evaluated: 2023-09-05. Review status: criteria provided, single submitter. Criteria: Invitae Variant Classification Sherloc (09022015). Collection method: clinical testing. Allele origin: germline.
Comment: In summary, the available evidence is currently insufficient to determine the role of this variant in disease. Therefore, it has been classified as a Variant of Uncertain Significance. Advanced modeling of protein sequence and biophysical properties (such as structural, functional, and spatial information, amino acid conservation, physicochemical variation, residue mobility, and thermodynamic stability) performed at Invitae indicates that this missense variant is not expected to disrupt SLC1A2 protein function. This variant has not been reported in the literature in individuals affected with SLC1A2-related conditions. This variant is present in population databases (no rsID available, gnomAD 0.003%). This sequence change replaces threonine, which is neutral and polar, with alanine, which is neutral and non-polar, at codon 503 of the SLC1A2 protein (p.Thr503Ala).